The following is an entry in ClinVar:

ClinVar aggregate classification (germline): Uncertain significance. Review status: criteria provided, multiple submitters, no conflicts (2 of 4 stars). 2 submissions from 2 submitters: Uncertain significance (2). Last evaluated 2025-12-04.

Conditions:
Spondylodysplastic Ehlers-Danlos syndrome. Identifiers: Orphanet 536471, Orphanet 75496, MedGen C5680154, MONDO:0007526.
Inborn genetic diseases. Identifiers: MedGen C0950123, MeSH D030342.

Allele frequency attached by ClinVar (database versions not stated): gnomAD 0.00001; TOPMed 0.00004.
gnomAD v4.1: 5 of 1,613,468 alleles (0.00031%); highest among the groups gnomAD compares: Non-Finnish European, 0.00042%; no homozygotes.

Submissions (2):

Ambry Genetics
Classification: Uncertain significance for Inborn genetic diseases. Last evaluated: 2025-12-04. Review status: criteria provided, single submitter. Criteria: Ambry Variant Classification Scheme 2023. Collection method: clinical testing. Allele origin: germline.

Labcorp Genetics (formerly Invitae), Labcorp
Classification: Uncertain significance for Spondylodysplastic Ehlers-Danlos syndrome. Last evaluated: 2022-05-15. Review status: criteria provided, single submitter. Criteria: Invitae Variant Classification Sherloc (09022015). Collection method: clinical testing. Allele origin: germline.
Comment: This sequence change replaces glutamic acid, which is acidic and polar, with glutamine, which is neutral and polar, at codon 86 of the B4GALT7 protein (p.Glu86Gln). This variant is present in population databases (rs766536438, gnomAD 0.007%). This variant has not been reported in the literature in individuals affected with B4GALT7-related conditions. Algorithms developed to predict the effect of missense changes on protein structure and function are either unavailable or do not agree on the potential impact of this missense change (SIFT: "Tolerated"; PolyPhen-2: "Possibly Damaging"; Align-GVGD: "Class C0"). In summary, the available evidence is currently insufficient to determine the role of this variant in disease. Therefore, it has been classified as a Variant of Uncertain Significance.

NM_007255.3(B4GALT7):c.256G>C (p.Glu86Gln)

Gene: B4GALT7 (beta-1,4-galactosyltransferase 7; plus strand). Cytogenetic location: 5q35.3.
Variant type: single nucleotide variant.
Coding change: c.256G>C on transcript NM_007255.3 (MANE Select); coding-DNA position 256, G replaced by C.
Protein change: p.Glu86Gln; replaces glutamic acid 86 with glutamine.
Molecular consequence: missense variant.
Genome position (GRCh38, 1-based): chr5:177,604,384, G>C. VCF-style: chr5-177604384-G-C. GRCh37 (hg19) VCF-style: chr5-177031385-G-C.
Other names: c.256G>C (NM_007255.2); short protein forms E86Q.
Identifiers: ClinVar variation 2202208 (VCV002202208.2), dbSNP rs766536438, ClinGen allele CA3586421.